The following is an entry in ClinVar:

ClinVar aggregate classification (germline): Benign/Likely benign. Review status: criteria provided, multiple submitters, no conflicts (2 of 4 stars). 5 submissions from 5 submitters: Benign (1); Likely benign (4). Last evaluated 2025-12-14.

Conditions:
Hereditary cancer-predisposing syndrome. Also called: Hereditary neoplastic syndrome; Neoplastic Syndromes, Hereditary; Tumor predisposition; Hereditary Cancer Syndrome. Identifiers: Orphanet 140162, MedGen C0027672, MeSH D009386, MONDO:0015356.
Familial cancer of breast. Also called: BREAST CANCER, FAMILIAL; Hereditary breast cancer; hereditary breast carcinoma. Identifiers: Orphanet 227535, MedGen C0346153, MONDO:0016419, OMIM 114480. Disease mechanism: loss of function.

Allele frequency attached by ClinVar (database versions not stated): gnomAD 0.00001; TOPMed 0.00004.
gnomAD v4.1: 4 of 1,613,874 alleles (0.00025%); highest among the groups gnomAD compares: African/African-American, 0.004%; no homozygotes.

Submissions (5):

Labcorp Genetics (formerly Invitae), Labcorp
Classification: Likely benign for Familial cancer of breast. Last evaluated: 2025-12-14. Review status: criteria provided, single submitter. Criteria: Invitae Variant Classification Sherloc (09022015). Collection method: clinical testing. Allele origin: germline.

Myriad Genetics, Inc.
Classification: Benign for Familial cancer of breast. Last evaluated: 2024-07-26. Review status: criteria provided, single submitter. Criteria: Myriad Autosomal Dominant, Autosomal Recessive and X-Linked Classification Criteria (2023). Collection method: clinical testing. Allele origin: unknown.
Comment: This variant is considered benign. This variant is a silent/synonymous amino acid change and it is not expected to impact splicing.

Women's Health and Genetics/Laboratory Corporation of America, LabCorp
Classification: Likely benign. Last evaluated: 2020-03-26. Review status: criteria provided, single submitter. Criteria: LabCorp Variant Classification Summary - May 2015. Collection method: clinical testing. Allele origin: germline.

GeneDx
Classification: Likely benign. Last evaluated: 2018-04-24. Review status: criteria provided, single submitter. Criteria: GeneDx Variant Classification (06012015). Collection method: clinical testing. Allele origin: germline. Affected: yes.
Comment: This variant is considered likely benign or benign based on one or more of the following criteria: it is a conservative change, it occurs at a poorly conserved position in the protein, it is predicted to be benign by multiple in silico algorithms, and/or has population frequency not consistent with disease.

Ambry Genetics
Classification: Likely benign for Hereditary cancer-predisposing syndrome. Last evaluated: 2015-07-30. Review status: criteria provided, single submitter. Criteria: Ambry Variant Classification Scheme 2023. Collection method: clinical testing. Allele origin: germline.

NM_000465.4(BARD1):c.1731G>A (p.Leu577=)

Gene: BARD1 (BRCA1 associated RING domain 1; minus strand). Cytogenetic location: 2q35.
Variant type: single nucleotide variant.
Coding change: c.1731G>A on transcript NM_000465.4 (MANE Select); coding-DNA position 1731, G replaced by A.
Protein change: p.Leu577=; no amino-acid change (leucine 577 retained).
Molecular consequence: synonymous variant. On other transcripts: non-coding transcript variant (3), intron variant (1).
Genome position (GRCh38, 1-based): chr2:214,745,801, C>T on the plus strand (G>A on the coding strand, the complement: BARD1 is on the minus strand). VCF-style: chr2-214745801-C-T. GRCh37 (hg19) VCF-style: chr2-215610525-C-T.
Other names: c.1674G>A, p.Leu558= (NM_001282543.2); c.378G>A, p.Leu126= (NM_001282545.2); c.321G>A, p.Leu107= (NM_001282548.2); c.365-15293G>A (NM_001282549.2).
Identifiers: ClinVar variation 215746 (VCV000215746.21), dbSNP rs863224364, ClinGen allele CA338651.